The following is an entry in ClinVar:

ClinVar aggregate classification (germline): Pathogenic. Review status: criteria provided, multiple submitters, no conflicts (2 of 4 stars). 2 submissions from 2 submitters: Pathogenic (2). Last evaluated 2026-06-27.

Conditions:
Joubert syndrome and related disorders. Identifiers: Orphanet 140874, MedGen C5679612, MONDO:0015369.
Joubert syndrome. Also called: JOUBERT-BOLTSHAUSER SYNDROME; Familial aplasia of the vermis. Identifiers: Orphanet 475, MedGen C5979921, MONDO:0018772.
Meckel-Gruber syndrome. Also called: DYSENCEPHALIA SPLANCHNOCYSTICA; GRUBER SYNDROME; Dysencephalia splachnocystica. Identifiers: Orphanet 564, MedGen C0265215, MONDO:0018921.

Submissions (2):

Myriad Genetics, Inc.
Classification: Pathogenic for Joubert syndrome and related disorders. Last evaluated: 2026-06-27. Review status: criteria provided, single submitter. Criteria: Myriad Autosomal Dominant, Autosomal Recessive and X-Linked Classification Criteria (2023). Collection method: clinical testing. Allele origin: unknown.
Comment: NM_001080522.2(CC2D2A):c.1644T>A(Y548*) is expected to be pathogenic in the context of CC2D2A-related disorders. This variant is predicted to lead to an abnormal or absent protein product due to the creation of a premature termination codon in CC2D2A, a gene where loss-of-function variants are known to be pathogenic. Please note: this variant was assessed in the context of healthy population screening.

Labcorp Genetics (formerly Invitae), Labcorp
Classification: Pathogenic for Joubert syndrome; Meckel-Gruber syndrome. Last evaluated: 2024-10-21. Review status: criteria provided, single submitter. Criteria: Invitae Variant Classification Sherloc (09022015). Collection method: clinical testing. Allele origin: germline.
Comment: This sequence change creates a premature translational stop signal (p.Tyr548*) in the CC2D2A gene. It is expected to result in an absent or disrupted protein product. Loss-of-function variants in CC2D2A are known to be pathogenic (PMID: 19777577). This variant is not present in population databases (gnomAD no frequency). This variant has not been reported in the literature in individuals affected with CC2D2A-related conditions. ClinVar contains an entry for this variant (Variation ID: 2417883). For these reasons, this variant has been classified as Pathogenic.

Literature cited by the submitters: PubMed 19777577 (cited by Labcorp Genetics (formerly Invitae), Labcorp).

NM_001378615.1(CC2D2A):c.1644T>A (p.Tyr548Ter)

Genes: CC2D2A (coiled-coil and C2 domain containing 2A; plus strand), FBXL5 (F-box and leucine rich repeat protein 5; minus strand). Cytogenetic location: 4p15.32.
Variant type: single nucleotide variant.
Coding change: c.1644T>A on transcript NM_001378615.1 (MANE Select); coding-DNA position 1644, T replaced by A.
Protein change: p.Tyr548Ter; replaces tyrosine 548 with a stop codon.
Molecular consequence: nonsense.
Genome position (GRCh38, 1-based): chr4:15,536,956, T>A. VCF-style: chr4-15536956-T-A. GRCh37 (hg19) VCF-style: chr4-15538579-T-A.
Other names: c.1644T>A, p.Tyr548Ter (NM_001080522.2); c.1497T>A, p.Tyr499Ter (NM_001378617.1); short protein forms Y499*, Y548*.
Identifiers: ClinVar variation 2417883 (VCV002417883.44), dbSNP rs1718163724, ClinGen allele CA356411241.
Genomic context (GRCh38, chr4:15,536,956, plus strand): 5'-AAGGGACTACAAATTATTTTAAAGGGAAAAAGCTGACCAGAAAGCAGATGAAGAAGCATA[T>A]GAAGCAGAAATTCAAGCTGAAATAAGTGAACTGTTAGAAGAGCACACGGAGGAGTACGCA-3'